The following is an entry in ClinVar:

ClinVar aggregate classification (germline): Uncertain significance (1 of 4 stars; one submission).

gnomAD v4.1: 5 of 1,587,270 alleles (0.00032%); highest among the groups gnomAD compares: African/African-American, 0.0013%; no homozygotes.

Submission:

GeneDx
Classification: Uncertain significance. Last evaluated: 2025-01-13. Review status: criteria provided, single submitter. Criteria: GeneDx Variant Classification Process June 2021. Collection method: clinical testing. Allele origin: germline. Affected: yes.
Comment: Not observed at significant frequency in large population cohorts (gnomAD); In silico analysis indicates that this missense variant does not alter protein structure/function; Has not been previously published as pathogenic or benign to our knowledge

NM_006073.4(TRDN):c.1131G>C (p.Lys377Asn)

Gene: TRDN (triadin; minus strand). Cytogenetic location: 6q22.31.
Variant type: single nucleotide variant.
Coding change: c.1131G>C on transcript NM_006073.4 (MANE Select); coding-DNA position 1131, G replaced by C.
Protein change: p.Lys377Asn; replaces lysine 377 with asparagine.
Molecular consequence: missense variant.
Genome position (GRCh38, 1-based): chr6:123,388,526, C>G on the plus strand (G>C on the coding strand, the complement: TRDN is on the minus strand). VCF-style: chr6-123388526-C-G. GRCh37 (hg19) VCF-style: chr6-123709671-C-G.
Other names: c.1134G>C, p.Lys378Asn (NM_001251987.2); c.1074G>C, p.Lys358Asn (NM_001407315.1); short protein forms K358N, K377N, K378N.
Identifiers: ClinVar variation 4056863 (VCV004056863.1).